The following is an entry in ClinVar:

NM_000742.4(CHRNA2):c.193C>A (p.His65Asn)

Gene: CHRNA2 (cholinergic receptor nicotinic alpha 2 subunit; minus strand). Cytogenetic location: 8p21.2.
Variant type: single nucleotide variant.
Coding change: c.193C>A on transcript NM_000742.4 (MANE Select); coding-DNA position 193, C replaced by A.
Protein change: p.His65Asn; replaces histidine 65 with asparagine.
Molecular consequence: missense variant. On other transcripts: 5 prime UTR variant (4).
Genome position (GRCh38, 1-based): chr8:27,469,862, G>T on the plus strand (C>A on the coding strand, the complement: CHRNA2 is on the minus strand). VCF-style: chr8-27469862-G-T. GRCh37 (hg19) VCF-style: chr8-27327379-G-T.
Other names: c.193C>A, p.His65Asn (NM_001282455.2); c.-235C>A (NM_001347705.2); c.-280C>A (NM_001347706.2); c.-221C>A (NM_001347707.2); c.-269C>A (NM_001347708.2); short protein forms H65N.
Identifiers: ClinVar variation 1473398 (VCV001473398.8), dbSNP rs200035862, ClinGen allele CA370813114.

ClinVar aggregate classification (germline): Uncertain significance (1 of 4 stars; one submission).

Conditions:
Familial sleep-related hypermotor epilepsy. Also called: Autosomal Dominant Sleep-Related Hypermotor (Hyperkinetic) Epilepsy. Identifiers: Orphanet 98784, MedGen C3696898, MONDO:0000030.

Submission:

Labcorp Genetics (formerly Invitae), Labcorp
Classification: Uncertain significance. Last evaluated: 2022-03-19. Review status: criteria provided, single submitter. Criteria: Invitae Variant Classification Sherloc (09022015). Collection method: clinical testing. Allele origin: germline.
Comment: In summary, the available evidence is currently insufficient to determine the role of this variant in disease. Therefore, it has been classified as a Variant of Uncertain Significance. Advanced modeling of protein sequence and biophysical properties (such as structural, functional, and spatial information, amino acid conservation, physicochemical variation, residue mobility, and thermodynamic stability) performed at Invitae indicates that this missense variant is not expected to disrupt CHRNA2 protein function. This variant has not been reported in the literature in individuals affected with CHRNA2-related conditions. This variant is not present in population databases (gnomAD no frequency). This sequence change replaces histidine, which is basic and polar, with asparagine, which is neutral and polar, at codon 65 of the CHRNA2 protein (p.His65Asn).